The following is an entry in ClinVar:

NM_000343.4(SLC5A1):c.1092C>T (p.Ile364=)

Gene: SLC5A1 (solute carrier family 5 member 1; plus strand). Cytogenetic location: 22q12.3.
Variant type: single nucleotide variant.
Coding change: c.1092C>T on transcript NM_000343.4 (MANE Select); coding-DNA position 1092, C replaced by T.
Protein change: p.Ile364=; no amino-acid change (isoleucine 364 retained).
Molecular consequence: synonymous variant.
Genome position (GRCh38, 1-based): chr22:32,086,290, C>T. VCF-style: chr22-32086290-C-T. GRCh37 (hg19) VCF-style: chr22-32482277-C-T.
Other names: c.711C>T, p.Ile237= (NM_001256314.2).
Identifiers: ClinVar variation 341247 (VCV000341247.17), dbSNP rs33915456, ClinGen allele CA10198144.

ClinVar aggregate classification (germline): Benign/Likely benign. Review status: criteria provided, multiple submitters, no conflicts (2 of 4 stars). 4 submissions from 4 submitters: Benign (3); Likely benign (1). Last evaluated 2026-02-02.

Conditions:
Congenital glucose-galactose malabsorption (GGM). Also called: MONOSACCHARIDE MALABSORPTION; DIARRHEA 16. Identifiers: Orphanet 35710, MedGen C0268186, MONDO:0011731, OMIM 606824.

Allele frequency attached by ClinVar (database versions not stated): gnomAD exomes 0.00097 and 0.00242; ExAC 0.00277; gnomAD 0.00914 and 0.00975; ESP Exome Variant Server 0.00961; TOPMed 0.01002; 1000 Genomes Project 0.01158; 1000 Genomes Project 30x 0.01265.
gnomAD v4.1: 2,883 of 1,613,686 alleles (0.18%); highest among the groups gnomAD compares: African/African-American, 3%; 42 homozygotes.

Submissions (4):

Labcorp Genetics (formerly Invitae), Labcorp
Classification: Benign for Congenital glucose-galactose malabsorption. Last evaluated: 2026-02-02. Review status: criteria provided, single submitter. Criteria: Invitae Variant Classification Sherloc (09022015). Collection method: clinical testing. Allele origin: germline.

Fulgent Genetics
Classification: Likely benign for Congenital glucose-galactose malabsorption. Last evaluated: 2021-07-26. Review status: criteria provided, single submitter. Criteria: ACMG Guidelines, 2015. Collection method: clinical testing. Allele origin: unknown.

Illumina Laboratory Services, Illumina
Classification: Benign for Congenital glucose-galactose malabsorption. Last evaluated: 2018-01-12. Review status: criteria provided, single submitter. Criteria: ICSL Variant Classification Criteria 13 December 2019. Collection method: clinical testing. Allele origin: germline.
Comment: This variant was observed in the ICSL laboratory as part of a predisposition screen in an ostensibly healthy population. It had not been previously curated by ICSL or reported in the Human Gene Mutation Database (HGMD: prior to June 1st, 2018), and was therefore a candidate for classification through an automated scoring system. Utilizing variant allele frequency, disease prevalence and penetrance estimates, and inheritance mode, an automated score was calculated to assess if this variant is too frequent to cause the disease. Based on the score and internal cut-off values, a variant classified as benign is not then subjected to further curation. The score for this variant resulted in a classification of benign for this disease.

Breakthrough Genomics
Classification: Benign. Review status: criteria provided, single submitter. Criteria: ACMG Guidelines, 2015. Collection method: not provided. Allele origin: germline. Inheritance: Autosomal recessive inheritance. Affected: yes.